The following is an entry in ClinVar:

NM_000260.4(MYO7A):c.3669C>A (p.Tyr1223Ter)

Gene: MYO7A (myosin VIIA; plus strand). Cytogenetic location: 11q13.5.
Variant type: single nucleotide variant.
Coding change: c.3669C>A on transcript NM_000260.4 (MANE Select); coding-DNA position 3669, C replaced by A.
Protein change: p.Tyr1223Ter; replaces tyrosine 1223 with a stop codon.
Molecular consequence: nonsense.
Genome position (GRCh38, 1-based): chr11:77,190,058, C>A. VCF-style: chr11-77190058-C-A. GRCh37 (hg19) VCF-style: chr11-76901103-C-A.
Other names: c.3669C>A, p.Tyr1223Ter (NM_001127180.2); c.3636C>A, p.Tyr1212Ter (NM_001369365.1); short protein forms Y1223*, Y1212*.
Identifiers: ClinVar variation 4913250 (VCV004913250.2).

ClinVar aggregate classification (germline): Pathogenic/Likely pathogenic. Review status: criteria provided, multiple submitters, no conflicts (2 of 4 stars). 2 submissions from 2 submitters: Pathogenic (1); Likely pathogenic (1). Last evaluated 2024-08-13.

Conditions:
Usher syndrome type 1 (USH1). Also called: RETINITIS PIGMENTOSA AND CONGENITAL DEAFNESS. Identifiers: Orphanet 231169, Orphanet 886, MedGen C1568247, MONDO:0010168, OMIM 276900.
MYO7A-related disorder. Also called: MYO7A-related disorders.

gnomAD v4.1: 1 of 1,571,894 alleles (0.000064%); highest among the groups gnomAD compares: South Asian, 0.0012%; no homozygotes.

Submissions (2):

Myriad Genetics, Inc.
Classification: Pathogenic for Usher syndrome type 1. Last evaluated: 2024-08-13. Review status: criteria provided, single submitter. Criteria: Myriad Autosomal Dominant, Autosomal Recessive and X-Linked Classification Criteria (2023). Collection method: clinical testing. Allele origin: unknown.
Comment: NM_000260.3(MYO7A):c.3669C>A(Y1223*) is expected to be pathogenic in the context of MYO7A-related disorders. This variant is predicted to lead to an abnormal or absent protein product due to the creation of a premature termination codon in MYO7A, a gene where loss-of-function variants are known to be pathogenic. Please note: this variant was assessed in the context of healthy population screening.

Blueprint Genetics
Classification: Likely pathogenic for MYO7A-related disorders. Last evaluated: 2021-12-04. Review status: criteria provided, single submitter. Criteria: ACMG Guidelines, 2015. Collection method: clinical testing. Allele origin: germline. Affected: yes. Observed: 1 variant allele.